The following is an entry in ClinVar:

NM_024675.4(PALB2):c.2608G>T (p.Val870Leu)

Gene: PALB2 (partner and localizer of BRCA2; minus strand). Cytogenetic location: 16p12.2.
Variant type: single nucleotide variant.
Coding change: c.2608G>T on transcript NM_024675.4 (MANE Select); coding-DNA position 2608, G replaced by T.
Protein change: p.Val870Leu; replaces valine 870 with leucine.
Molecular consequence: missense variant.
Genome position (GRCh38, 1-based): chr16:23,626,376, C>A on the plus strand (G>T on the coding strand, the complement: PALB2 is on the minus strand). VCF-style: chr16-23626376-C-A. GRCh37 (hg19) VCF-style: chr16-23637697-C-A.
Other names: short protein forms V870L.
Identifiers: ClinVar variation 460949 (VCV000460949.14), dbSNP rs376641234, ClinGen allele CA395122216.

ClinVar aggregate classification (germline): Uncertain significance. Review status: criteria provided, multiple submitters, no conflicts (2 of 4 stars). 2 submissions from 2 submitters: Uncertain significance (2). Last evaluated 2024-03-04.

Conditions:
Familial cancer of breast. Also called: BREAST CANCER, FAMILIAL; Hereditary breast cancer; hereditary breast carcinoma. Identifiers: Orphanet 227535, MedGen C0346153, MONDO:0016419, OMIM 114480. Disease mechanism: loss of function.
Hereditary cancer-predisposing syndrome. Also called: Neoplastic Syndromes, Hereditary; Hereditary Cancer Syndrome; Hereditary neoplastic syndrome; Tumor predisposition. Identifiers: Orphanet 140162, MedGen C0027672, MeSH D009386, MONDO:0015356.

gnomAD v4.1: 1 of 1,614,126 alleles (0.000062%); highest among the groups gnomAD compares: East Asian, 0.0022%; no homozygotes.

Submissions (2):

Labcorp Genetics (formerly Invitae), Labcorp
Classification: Uncertain significance for Familial cancer of breast. Last evaluated: 2024-03-04. Review status: criteria provided, single submitter. Criteria: Invitae Variant Classification Sherloc (09022015). Collection method: clinical testing. Allele origin: germline.
Comment: This sequence change replaces valine, which is neutral and non-polar, with leucine, which is neutral and non-polar, at codon 870 of the PALB2 protein (p.Val870Leu). This variant is not present in population databases (gnomAD no frequency). This missense change has been observed in individual(s) with breast cancer (PMID: 28825143). ClinVar contains an entry for this variant (Variation ID: 460949). Advanced modeling of protein sequence and biophysical properties (such as structural, functional, and spatial information, amino acid conservation, physicochemical variation, residue mobility, and thermodynamic stability) performed at Invitae indicates that this missense variant is expected to disrupt PALB2 protein function with a positive predictive value of 80%. In summary, the available evidence is currently insufficient to determine the role of this variant in disease. Therefore, it has been classified as a Variant of Uncertain Significance.

Ambry Genetics
Classification: Uncertain significance for Hereditary cancer-predisposing syndrome. Last evaluated: 2024-01-30. Review status: criteria provided, single submitter. Criteria: Ambry Variant Classification Scheme 2023. Collection method: clinical testing. Allele origin: germline.
Comment: The p.V870L variant (also known as c.2608G>T), located in coding exon 7 of the PALB2 gene, results from a G to T substitution at nucleotide position 2608. The valine at codon 870 is replaced by leucine, an amino acid with highly similar properties. This alteration has been detected in a cohort of Chinese breast cancer patients (Zhang K et al. Breast Cancer Res Treat, 2017 Dec;166:865-873). This amino acid position is well conserved in available vertebrate species. In addition, this alteration is predicted to be tolerated by in silico analysis. Based on the available evidence, the clinical significance of this alteration remains unclear.

Literature cited by the submitters: PubMed 28825143 (cited by Labcorp Genetics (formerly Invitae), Labcorp and Ambry Genetics).